The following is an entry in ClinVar:

ClinVar aggregate classification (germline): Pathogenic. Review status: criteria provided, multiple submitters, no conflicts (2 of 4 stars). 2 submissions from 2 submitters: Pathogenic (2). Last evaluated 2025-02-19.

Conditions:
Ataxia-telangiectasia syndrome (AT). Also called: ATAXIA-TELANGIECTASIA, COMPLEMENTATION GROUP A; ATAXIA-TELANGIECTASIA, FRESNO VARIANT; Ataxia-telangiectasia, complementation group E; Ataxia telangiectasia (A-T); LOUIS-BAR SYNDROME; Cerebello-oculocutaneous telangiectasia. Identifiers: Orphanet 100, MedGen C0004135, MONDO:0008840, OMIM 208900.
Hereditary cancer-predisposing syndrome. Also called: Neoplastic Syndromes, Hereditary; Hereditary Cancer Syndrome; Hereditary neoplastic syndrome; Tumor predisposition. Identifiers: Orphanet 140162, MedGen C0027672, MeSH D009386, MONDO:0015356.

Submissions (2):

Labcorp Genetics (formerly Invitae), Labcorp
Classification: Pathogenic for Ataxia-telangiectasia syndrome. Last evaluated: 2025-02-19. Review status: criteria provided, single submitter. Criteria: Invitae Variant Classification Sherloc (09022015). Collection method: clinical testing. Allele origin: germline.
Comment: This sequence change creates a premature translational stop signal (p.Leu186Phefs*4) in the ATM gene. It is expected to result in an absent or disrupted protein product. Loss-of-function variants in ATM are known to be pathogenic (PMID: 23807571, 25614872). This variant is not present in population databases (gnomAD no frequency). This variant has not been reported in the literature in individuals affected with ATM-related conditions. ClinVar contains an entry for this variant (Variation ID: 825839). For these reasons, this variant has been classified as Pathogenic.

Ambry Genetics
Classification: Pathogenic for Hereditary cancer-predisposing syndrome. Last evaluated: 2019-01-09. Review status: criteria provided, single submitter. Criteria: Ambry Variant Classification Scheme 2023. Collection method: clinical testing. Allele origin: germline.
Comment: The c.557dupT pathogenic mutation, located in coding exon 5 of the ATM gene, results from a duplication of T at nucleotide position 557, causing a translational frameshift with a predicted alternate stop codon (p.L186Ffs*4). This alteration is expected to result in loss of function by premature protein truncation or nonsense-mediated mRNA decay. As such, this alteration is interpreted as a disease-causing mutation.

Literature cited by the submitters: PubMed 23807571 (cited by Labcorp Genetics (formerly Invitae), Labcorp); PubMed 25614872 (cited by Labcorp Genetics (formerly Invitae), Labcorp).

NM_000051.4(ATM):c.557dup (p.Leu186fs)

Gene: ATM (ATM serine/threonine kinase; plus strand). Cytogenetic location: 11q22.3.
Variant type: Duplication.
Coding change: c.557dup on transcript NM_000051.4 (MANE Select); coding-DNA position 557, one base duplicated (T; older notation c.557dupT).
Protein change: p.Leu186fs; shifts the reading frame from leucine 186.
Molecular consequence: frameshift variant.
Genome position (GRCh38, 1-based): chr11:108,244,013, T duplicated; the last of 4 consecutive T bases (chr11:108,244,010-108,244,013); duplicating any one gives the same sequence. VCF-style (leftmost placement, unchanged base first): chr11-108244009-G-GT. GRCh37 (hg19) VCF-style: chr11-108114736-G-GT.
Other names: c.557dup, p.Leu186fs (NM_001351834.2); short protein forms L186fs.
Identifiers: ClinVar variation 825839 (VCV000825839.5), dbSNP rs1591500005, ClinGen allele CA915947717.